The following is an entry in ClinVar:

ClinVar aggregate classification (germline): Uncertain significance (1 of 4 stars; one submission).

Conditions:
Hyperkalemic periodic paralysis. Also called: Familial hyperkalemic periodic paralysis; Gamstorp disease. Identifiers: Orphanet 682, MedGen C0238357, MONDO:0008224, OMIM 170500, HP:0007215.

Allele frequency attached by ClinVar (database versions not stated): gnomAD exomes below 0.00001.
gnomAD v4.1: 1 of 1,614,146 alleles (0.000062%); highest among the groups gnomAD compares: Non-Finnish European, 0.000085%; no homozygotes.

Submission:

Labcorp Genetics (formerly Invitae), Labcorp
Classification: Uncertain significance for Hyperkalemic periodic paralysis. Last evaluated: 2022-02-20. Review status: criteria provided, single submitter. Criteria: Invitae Variant Classification Sherloc (09022015). Collection method: clinical testing. Allele origin: germline.
Comment: This sequence change replaces leucine, which is neutral and non-polar, with phenylalanine, which is neutral and non-polar, at codon 271 of the SCN4A protein (p.Leu271Phe). This variant is not present in population databases (gnomAD no frequency). This variant has not been reported in the literature in individuals affected with SCN4A-related conditions. Algorithms developed to predict the effect of missense changes on protein structure and function are either unavailable or do not agree on the potential impact of this missense change (SIFT: "Deleterious"; PolyPhen-2: "Probably Damaging"; Align-GVGD: "Class C15"). In summary, the available evidence is currently insufficient to determine the role of this variant in disease. Therefore, it has been classified as a Variant of Uncertain Significance.

NM_000334.4(SCN4A):c.811C>T (p.Leu271Phe)

Gene: SCN4A (sodium voltage-gated channel alpha subunit 4; minus strand). Cytogenetic location: 17q23.3.
Variant type: single nucleotide variant.
Coding change: c.811C>T on transcript NM_000334.4 (MANE Select); coding-DNA position 811, C replaced by T.
Protein change: p.Leu271Phe; replaces leucine 271 with phenylalanine.
Molecular consequence: missense variant.
Genome position (GRCh38, 1-based): chr17:63,968,248, G>A on the plus strand (C>T on the coding strand, the complement: SCN4A is on the minus strand). VCF-style: chr17-63968248-G-A. GRCh37 (hg19) VCF-style: chr17-62045608-G-A.
Other names: short protein forms L271F.
Identifiers: ClinVar variation 2100717 (VCV002100717.4), dbSNP rs2509320697, ClinGen allele CA400637655.